The following is an entry in ClinVar:

ClinVar aggregate classification (germline): Uncertain significance. Review status: criteria provided, multiple submitters, no conflicts (2 of 4 stars). 2 submissions from 2 submitters: Uncertain significance (2). Last evaluated 2024-05-06.

gnomAD v4.1: 4 of 1,208,429 alleles (0.00033%); highest among the groups gnomAD compares: Non-Finnish European, 0.00045%; no homozygotes.

Submissions (2):

GeneDx
Classification: Uncertain significance. Last evaluated: 2024-05-06. Review status: criteria provided, single submitter. Criteria: GeneDx Variant Classification Process June 2021. Collection method: clinical testing. Allele origin: germline. Affected: yes.
Comment: Not observed at significant frequency in large population cohorts (gnomAD); In silico analysis supports that this missense variant has a deleterious effect on protein structure/function; Has not been previously published as pathogenic or benign to our knowledge

Blueprint Genetics
Classification: Uncertain significance. Last evaluated: 2022-12-27. Review status: criteria provided, single submitter. Criteria: ACMG Guidelines, 2015. Collection method: clinical testing. Allele origin: germline.

NM_012310.5(KIF4A):c.1960A>G (p.Met654Val)

Gene: KIF4A (kinesin family member 4A; plus strand). Cytogenetic location: Xq13.1.
Variant type: single nucleotide variant.
Coding change: c.1960A>G on transcript NM_012310.5 (MANE Select); coding-DNA position 1960, A replaced by G.
Protein change: p.Met654Val; replaces methionine 654 with valine.
Molecular consequence: missense variant.
Genome position (GRCh38, 1-based): chrX:70,376,136, A>G. VCF-style: chrX-70376136-A-G. GRCh37 (hg19) VCF-style: chrX-69595986-A-G.
Other names: short protein forms M654V.
Identifiers: ClinVar variation 3376040 (VCV003376040.2).